The following is an entry in ClinVar:

NM_031935.3(HMCN1):c.12275T>G (p.Val4092Gly)

Gene: HMCN1 (hemicentin 1; plus strand). Cytogenetic location: 1q31.1.
Variant type: single nucleotide variant.
Coding change: c.12275T>G on transcript NM_031935.3 (MANE Select); coding-DNA position 12275, T replaced by G.
Protein change: p.Val4092Gly; replaces valine 4092 with glycine.
Molecular consequence: missense variant.
Genome position (GRCh38, 1-based): chr1:186,122,996, T>G. VCF-style: chr1-186122996-T-G. GRCh37 (hg19) VCF-style: chr1-186092128-T-G.
Other names: short protein forms V4092G.
Identifiers: ClinVar variation 2091153 (VCV002091153.4), dbSNP rs2528039045, ClinGen allele CA343902925.
Genomic context (GRCh38, chr1:186,122,996, plus strand): 5'-TTTTGTATATTTTAGTTCCTCCAGTCATTAGCCCTCATCTAAAGGAATATGTTATTGCTG[T>G]GGACAAGCCCATCACGTTATCCTGTGAAGCAGATGGCCTCCCTCCGCCTGACATTACATG-3'
Protein context (NP_114141.2, residues 4082-4102): SPHLKEYVIA[Val4092Gly]DKPITLSCEA

ClinVar aggregate classification (germline): Uncertain significance (1 of 4 stars; one submission).

Submission:

Labcorp Genetics (formerly Invitae), Labcorp
Classification: Uncertain significance. Last evaluated: 2022-05-12. Review status: criteria provided, single submitter. Criteria: Invitae Variant Classification Sherloc (09022015). Collection method: clinical testing. Allele origin: germline.
Comment: This variant is not present in population databases (gnomAD no frequency). This sequence change replaces valine, which is neutral and non-polar, with glycine, which is neutral and non-polar, at codon 4092 of the HMCN1 protein (p.Val4092Gly). This variant has not been reported in the literature in individuals affected with HMCN1-related conditions. Algorithms developed to predict the effect of missense changes on protein structure and function are either unavailable or do not agree on the potential impact of this missense change (SIFT: "Deleterious"; PolyPhen-2: "Probably Damaging"; Align-GVGD: "Class C0"). In summary, the available evidence is currently insufficient to determine the role of this variant in disease. Therefore, it has been classified as a Variant of Uncertain Significance.